The following is an entry in ClinVar:

NM_001130438.3(SPTAN1):c.7295A>C (p.Glu2432Ala)

Gene: SPTAN1 (spectrin alpha, non-erythrocytic 1; plus strand). Cytogenetic location: 9q34.11.
Variant type: single nucleotide variant.
Coding change: c.7295A>C on transcript NM_001130438.3 (MANE Select); coding-DNA position 7295, A replaced by C.
Protein change: p.Glu2432Ala; replaces glutamic acid 2432 with alanine.
Molecular consequence: missense variant.
Genome position (GRCh38, 1-based): chr9:128,632,942, A>C. VCF-style: chr9-128632942-A-C. GRCh37 (hg19) VCF-style: chr9-131395221-A-C.
Other names: c.7220A>C, p.Glu2407Ala (NM_001195532.2); c.7358A>C, p.Glu2453Ala (NM_001363759.2); c.7235A>C, p.Glu2412Ala (NM_001363765.2, NM_001375314.2); c.7382A>C, p.Glu2461Ala (NM_001375310.1); c.7295A>C, p.Glu2432Ala (NM_001375311.2); c.7331A>C, p.Glu2444Ala (NM_001375312.2); c.7277A>C, p.Glu2426Ala (NM_001375313.1); c.7394A>C, p.Glu2465Ala (NM_001375318.1); and 1 more; short protein forms E2407A, E2412A, E2426A, E2427A, E2432A, E2444A, E2453A, E2461A.
Identifiers: ClinVar variation 1713859 (VCV001713859.5), dbSNP rs2542398713, ClinGen allele CA375102974.

ClinVar aggregate classification (germline): Uncertain significance (1 of 4 stars; one submission).

Conditions:
Early-infantile DEE. Also called: Early infantile epileptic encephalopathy with suppression bursts; Early infantile epileptic encephalopathy; Ohtahara syndrome. Identifiers: Orphanet 1934, MedGen C0393706, MONDO:0800491.

Submission:

Labcorp Genetics (formerly Invitae), Labcorp
Classification: Uncertain significance for Early-infantile DEE. Last evaluated: 2023-12-06. Review status: criteria provided, single submitter. Criteria: Invitae Variant Classification Sherloc (09022015). Collection method: clinical testing. Allele origin: germline.
Comment: This sequence change replaces glutamic acid, which is acidic and polar, with alanine, which is neutral and non-polar, at codon 2432 of the SPTAN1 protein (p.Glu2432Ala). This variant is not present in population databases (gnomAD no frequency). This variant has not been reported in the literature in individuals affected with SPTAN1-related conditions. ClinVar contains an entry for this variant (Variation ID: 1713859). Advanced modeling of protein sequence and biophysical properties (such as structural, functional, and spatial information, amino acid conservation, physicochemical variation, residue mobility, and thermodynamic stability) has been performed at Invitae for this missense variant, however the output from this modeling did not meet the statistical confidence thresholds required to predict the impact of this variant on SPTAN1 protein function. In summary, the available evidence is currently insufficient to determine the role of this variant in disease. Therefore, it has been classified as a Variant of Uncertain Significance.